The following is an entry in ClinVar:

NM_020806.5(GPHN):c.1503A>C (p.Glu501Asp)

Gene: GPHN (gephyrin; plus strand). Cytogenetic location: 14q23.3.
Variant type: single nucleotide variant.
Coding change: c.1503A>C on transcript NM_020806.5 (MANE Select); coding-DNA position 1503, A replaced by C.
Protein change: p.Glu501Asp; replaces glutamic acid 501 with aspartic acid.
Molecular consequence: missense variant.
Genome position (GRCh38, 1-based): chr14:67,113,048, A>C. VCF-style: chr14-67113048-A-C. GRCh37 (hg19) VCF-style: chr14-67579765-A-C.
Other names: c.1404A>C, p.Glu468Asp (NM_001024218.2); c.1563A>C, p.Glu521Asp (NM_001377514.1); c.1533A>C, p.Glu511Asp (NM_001377515.1); c.1524A>C, p.Glu508Asp (NM_001377516.1); c.1476A>C, p.Glu492Asp (NM_001377517.1); c.1461A>C, p.Glu487Asp (NM_001377518.1); c.1443A>C, p.Glu481Asp (NM_001377519.1); short protein forms E481D, E487D, E468D, E492D, E508D, E511D, E521D, E501D.
Identifiers: ClinVar variation 1465158 (VCV001465158.6), dbSNP rs2153686895, ClinGen allele CA390258557.

ClinVar aggregate classification (germline): Uncertain significance (1 of 4 stars; one submission).

Conditions:
Sulfite oxidase deficiency due to molybdenum cofactor deficiency type C. Also called: Molybdenum cofactor deficiency C; Molybdenum cofactor deficiency, complementation group C. Identifiers: Orphanet 308400, Orphanet 833, MedGen C1854990, MONDO:0014212, OMIM 615501.

Submission:

Labcorp Genetics (formerly Invitae), Labcorp
Classification: Uncertain significance for Sulfite oxidase deficiency due to molybdenum cofactor deficiency type C. Last evaluated: 2021-11-11. Review status: criteria provided, single submitter. Criteria: Invitae Variant Classification Sherloc (09022015). Collection method: clinical testing. Allele origin: germline.
Comment: In summary, the available evidence is currently insufficient to determine the role of this variant in disease. Therefore, it has been classified as a Variant of Uncertain Significance. This sequence change replaces glutamic acid, which is acidic and polar, with aspartic acid, which is acidic and polar, at codon 501 of the GPHN protein (p.Glu501Asp). This variant is not present in population databases (gnomAD no frequency). This variant has not been reported in the literature in individuals affected with GPHN-related conditions. Algorithms developed to predict the effect of missense changes on protein structure and function are either unavailable or do not agree on the potential impact of this missense change (SIFT: "Tolerated"; PolyPhen-2: "Probably Damaging"; Align-GVGD: "Class C0").